The following is an entry in ClinVar:

NM_000937.5(POLR2A):c.66G>T (p.Gln22His)

Gene: POLR2A (RNA polymerase II subunit A; plus strand). Cytogenetic location: 17p13.1.
Variant type: single nucleotide variant.
Coding change: c.66G>T on transcript NM_000937.5 (MANE Select); coding-DNA position 66, G replaced by T.
Protein change: p.Gln22His; replaces glutamine 22 with histidine.
Molecular consequence: missense variant.
Genome position (GRCh38, 1-based): chr17:7,484,830, G>T. VCF-style: chr17-7484830-G-T. GRCh37 (hg19) VCF-style: chr17-7388149-G-T.
Other names: short protein forms Q22H.
Identifiers: ClinVar variation 2574393 (VCV002574393.1), dbSNP rs2508056813, ClinGen allele CA397849118.

ClinVar aggregate classification (germline): Uncertain significance (1 of 4 stars; one submission).

Allele frequency attached by ClinVar (database versions not stated): gnomAD exomes below 0.00001.

Submission:

GeneDx
Classification: Uncertain significance. Last evaluated: 2023-01-25. Review status: criteria provided, single submitter. Criteria: GeneDx Variant Classification Process June 2021. Collection method: clinical testing. Allele origin: germline. Affected: yes.
Comment: Not observed at significant frequency in large population cohorts (gnomAD); In silico analysis supports that this missense variant has a deleterious effect on protein structure/function; Has not been previously published as pathogenic or benign to our knowledge